The following is an entry in ClinVar:

Conditions:
Arteriohepatic dysplasia. Also called: Alagille Syndrome. Identifiers: Orphanet 52, MedGen C0085280, MeSH D016738, MONDO:0007318.

Submission:

Gilbert/Spinner Lab, Children's Hospital of Philadelphia
No classification provided (evidence only). Condition: Alagille syndrome. Review status: no classification provided. Collection method: research. Allele origin: not applicable. Functional consequence: functionally_abnormal.
ClinVar note: "not provided" was previously submitted as the classification for the variant. However, the classification appeared to be based only on an observation of functional data so it was converted to no classification on 2025-07-30.

NM_000214.3(JAG1):c.554T>C (p.Val185Ala)

Gene: JAG1 (jagged canonical Notch ligand 1; minus strand). Cytogenetic location: 20p12.2.
Variant type: single nucleotide variant.
Coding change: c.554T>C on transcript NM_000214.3 (MANE Select); coding-DNA position 554, T replaced by C.
Protein change: p.Val185Ala; replaces valine 185 with alanine.
Molecular consequence: missense variant.
Genome position (GRCh38, 1-based): chr20:10,658,608, A>G on the plus strand (T>C on the coding strand, the complement: JAG1 is on the minus strand). VCF-style: chr20-10658608-A-G. GRCh37 (hg19) VCF-style: chr20-10639256-A-G.
Other names: short protein forms V185A.
Identifiers: ClinVar variation 3573331 (VCV003573331.2).